The following is an entry in ClinVar:

ClinVar aggregate classification (germline): Uncertain significance (1 of 4 stars; one submission).

Conditions:
Congenital contractural arachnodactyly (CCA). Also called: BEALS SYNDROME; Beals-Hecht syndrome; Arthrogryposis, distal, type 9. Identifiers: Orphanet 115, MedGen C0220668, MONDO:0007363, OMIM 121050.

Allele frequency attached by ClinVar (database versions not stated): gnomAD exomes below 0.00001; TOPMed below 0.00001; gnomAD 0.00001.
gnomAD v4.1: 3 of 1,594,556 alleles (0.00019%); highest among the groups gnomAD compares: Non-Finnish European, 0.00026%; no homozygotes.

Submission:

Labcorp Genetics (formerly Invitae), Labcorp
Classification: Uncertain significance for Congenital contractural arachnodactyly. Last evaluated: 2022-12-01. Review status: criteria provided, single submitter. Criteria: Invitae Variant Classification Sherloc (09022015). Collection method: clinical testing. Allele origin: germline.
Comment: In summary, the available evidence is currently insufficient to determine the role of this variant in disease. Therefore, it has been classified as a Variant of Uncertain Significance. This variant has not been reported in the literature in individuals affected with FBN2-related conditions. This variant is not present in population databases (gnomAD no frequency). This sequence change creates a premature translational stop signal (p.Gln2152*) in the FBN2 gene. It is expected to result in an absent or disrupted protein product. However, the current clinical and genetic evidence is not sufficient to establish whether loss-of-function variants in FBN2 cause disease.

NM_001999.4(FBN2):c.6454C>T (p.Gln2152Ter)

Gene: FBN2 (fibrillin 2; minus strand). Cytogenetic location: 5q23.3.
Variant type: single nucleotide variant.
Coding change: c.6454C>T on transcript NM_001999.4 (MANE Select); coding-DNA position 6454, C replaced by T.
Protein change: p.Gln2152Ter; replaces glutamine 2152 with a stop codon.
Molecular consequence: nonsense.
Genome position (GRCh38, 1-based): chr5:128,289,939, G>A on the plus strand (C>T on the coding strand, the complement: FBN2 is on the minus strand). VCF-style: chr5-128289939-G-A. GRCh37 (hg19) VCF-style: chr5-127625631-G-A.
Other names: short protein forms Q2152*.
Identifiers: ClinVar variation 2888856 (VCV002888856.3), dbSNP rs1240185443, ClinGen allele CA360761848.